The following is an entry in ClinVar:

ClinVar aggregate classification (germline): Benign/Likely benign. Review status: criteria provided, multiple submitters, no conflicts (2 of 4 stars). 7 submissions from 7 submitters: Benign (2); Likely benign (5). Last evaluated 2026-04-01.

Conditions:
Developmental and epileptic encephalopathy, 1 (DEE1). Also called: X-linked infantile spasms; West's syndrome; Tonic spasms with clustering, arrest of psychomotor development and hypsarrhythmia on EEG; X-Linked Infantile Spasm Syndrome; Epileptic encephalopathy, early infantile, 1; OHTAHARA SYNDROME, X-LINKED. Identifiers: MedGen C3463992, MONDO:0010632, OMIM 308350. Disease mechanism: loss of function.
Intellectual disability, X-linked, with or without seizures, ARX-related. Also called: MENTAL RETARDATION, X-LINKED 29; MENTAL RETARDATION, X-LINKED 32; MENTAL RETARDATION, X-LINKED 33; MENTAL RETARDATION, X-LINKED 38; MENTAL RETARDATION, X-LINKED 43; MENTAL RETARDATION, X-LINKED 76. Identifiers: Orphanet 777, MedGen C0796244, MONDO:0010317, OMIM 300419.
Inborn genetic diseases. Identifiers: MedGen C0950123, MeSH D030342.

Submissions (7):

CeGaT Center for Human Genetics Tuebingen
Classification: Likely benign. Last evaluated: 2026-04-01. Review status: criteria provided, single submitter. Criteria: CeGaT Center For Human Genetics Tuebingen Variant Classification Criteria Version 2. Collection method: clinical testing. Allele origin: germline. Affected: yes. Observed: 2 variant alleles.
Comment: ARX: BS2

Labcorp Genetics (formerly Invitae), Labcorp
Classification: Benign for Developmental and epileptic encephalopathy, 1; Intellectual disability, X-linked, with or without seizures, ARX-related. Last evaluated: 2026-01-24. Review status: criteria provided, single submitter. Criteria: Invitae Variant Classification Sherloc (09022015). Collection method: clinical testing. Allele origin: germline.

Blueprint Genetics
Classification: Likely benign. Last evaluated: 2024-11-26. Review status: criteria provided, single submitter. Criteria: ACMG Guidelines, 2015. Collection method: clinical testing. Allele origin: germline.

Ambry Genetics
Classification: Likely benign for Inborn genetic diseases. Last evaluated: 2017-07-19. Review status: criteria provided, single submitter. Criteria: Ambry Variant Classification Scheme 2023. Collection method: clinical testing. Allele origin: germline.

GeneDx
Classification: Likely benign. Last evaluated: 2017-01-13. Review status: criteria provided, single submitter. Criteria: GeneDx Variant Classification (06012015). Collection method: clinical testing. Allele origin: germline. Affected: yes.
Comment: This variant is considered likely benign or benign based on one or more of the following criteria: it is a conservative change, it occurs at a poorly conserved position in the protein, it is predicted to be benign by multiple in silico algorithms, and/or has population frequency not consistent with disease.

Eurofins Ntd Llc (ga)
Classification: Likely benign. Last evaluated: 2016-04-28. Review status: criteria provided, single submitter. Criteria: EGL Classification Definitions 2015. Collection method: clinical testing. Allele origin: germline. Observed: 2 variant alleles, 1 heterozygote, 1 hemizygote.

Genetic Services Laboratory, University of Chicago
Classification: Benign. Last evaluated: 2014-04-22. Review status: criteria provided, single submitter. Criteria: ACMG Guidelines, 2007. Collection method: clinical testing. Allele origin: germline. Inheritance: X-linked inheritance.

NM_139058.3(ARX):c.306GGC[8] (p.Ala114_Ala115del)

Genes: ARX (aristaless related homeobox; minus strand), LOC109610631 (aristaless related homeobox polyalanine expansion region; plus strand). Cytogenetic location: Xp21.3.
Variant type: Microsatellite.
Coding change: c.306GGC[8] on transcript NM_139058.3 (MANE Select); eight copies in a row of the 3-base unit GGC starting at c.306; the reference has ten copies in a row; two copies, 6 bases deleted.
Protein change: p.Ala114_Ala115del.
Molecular consequence: inframe deletion.
Genome position (GRCh38, 1-based): chrX:25,013,660-25,013,665, GCCGCC deleted on the plus strand (GGCGGC on the coding strand, the reverse complement: ARX is on the minus strand); deleting any 6 consecutive bases within chrX:25,013,660-25,013,691 gives the same sequence; the position shown is the placement nearest the transcript's 3' end. VCF-style (leftmost placement, unchanged base first): chrX-25013659-TGCCGCC-T. GRCh37 (hg19) VCF-style: chrX-25031776-TGCCGCC-T.
Identifiers: ClinVar variation 157754 (VCV000157754.35), dbSNP rs387906492, ClinGen allele CA171152.